The following is an entry in ClinVar:

ClinVar aggregate classification (germline): Pathogenic. Review status: criteria provided, multiple submitters, no conflicts (2 of 4 stars). 3 submissions from 3 submitters: Pathogenic (3). Last evaluated 2026-05-04.

Conditions:
Hereditary cancer-predisposing syndrome. Also called: Tumor predisposition; Hereditary neoplastic syndrome; Neoplastic Syndromes, Hereditary; Hereditary Cancer Syndrome. Identifiers: Orphanet 140162, MedGen C0027672, MeSH D009386, MONDO:0015356.
Hereditary diffuse gastric adenocarcinoma (HDGC). Also called: DIFFUSE GASTRIC AND LOBULAR BREAST CANCER SYNDROME. Identifiers: Orphanet 26106, MedGen C1708349, MONDO:0007648, OMIM 137215.

Submissions (3):

Ambry Genetics
Classification: Pathogenic for Hereditary cancer-predisposing syndrome. Last evaluated: 2026-05-04. Review status: criteria provided, single submitter. Criteria: Ambry Variant Classification Scheme 2023. Collection method: clinical testing. Allele origin: germline.
Comment: The p.Q247* pathogenic mutation (also known as c.739C>T), located in coding exon 5 of the CTNNA1 gene, results from a C to T substitution at nucleotide position 739. This changes the amino acid from a glutamine to a stop codon within coding exon 5. This variant is considered to be rare based on population cohorts in the Genome Aggregation Database (gnomAD). This alteration is expected to result in loss of function by premature protein truncation or nonsense-mediated mRNA decay. As such, this alteration is interpreted as a disease-causing mutation.

Labcorp Genetics (formerly Invitae), Labcorp
Classification: Pathogenic. Last evaluated: 2024-08-15. Review status: criteria provided, single submitter. Criteria: Invitae Variant Classification Sherloc (09022015). Collection method: clinical testing. Allele origin: germline.
Comment: This sequence change creates a premature translational stop signal (p.Gln247*) in the CTNNA1 gene. It is expected to result in an absent or disrupted protein product. Loss-of-function variants in CTNNA1 are known to be pathogenic (PMID: 32051609, 34425242). This variant is not present in population databases (gnomAD no frequency). This variant has not been reported in the literature in individuals affected with CTNNA1-related conditions. For these reasons, this variant has been classified as Pathogenic.

Myriad Genetics, Inc.
Classification: Pathogenic for Hereditary diffuse gastric adenocarcinoma. Last evaluated: 2023-11-07. Review status: criteria provided, single submitter. Criteria: Myriad Autosomal Dominant, Autosomal Recessive and X-Linked Classification Criteria (2023). Collection method: clinical testing. Allele origin: unknown.
Comment: This variant is considered pathogenic. This variant creates a termination codon and is predicted to result in premature protein truncation.

Literature cited by the submitters: PubMed 32051609 (cited by Labcorp Genetics (formerly Invitae), Labcorp); PubMed 34425242 (cited by Labcorp Genetics (formerly Invitae), Labcorp).

NM_001903.5(CTNNA1):c.739C>T (p.Gln247Ter)

Gene: CTNNA1 (catenin alpha 1; plus strand). Cytogenetic location: 5q31.2.
Variant type: single nucleotide variant.
Coding change: c.739C>T on transcript NM_001903.5 (MANE Select); coding-DNA position 739, C replaced by T.
Protein change: p.Gln247Ter; replaces glutamine 247 with a stop codon.
Molecular consequence: nonsense.
Genome position (GRCh38, 1-based): chr5:138,824,680, C>T. VCF-style: chr5-138824680-C-T. GRCh37 (hg19) VCF-style: chr5-138160369-C-T.
Other names: c.739C>T, p.Gln247Ter (NM_001290307.3, NM_001323982.2, NM_001323983.1 and 3 more transcripts); c.430C>T, p.Gln144Ter (NM_001290309.3); c.370C>T, p.Gln124Ter (NM_001290310.3); c.739C>T (NM_001903.2); short protein forms Q124*, Q144*, Q247*.
Identifiers: ClinVar variation 2674001 (VCV002674001.4), dbSNP rs2149776199, ClinGen allele CA361129907.